The following is an entry in ClinVar:

ClinVar aggregate classification (germline): Likely pathogenic (0 of 4 stars; one submission).

Conditions:
Glycine encephalopathy. Also called: Nonketotic hyperglycinemia; Non-ketotic hyperglycinemia. Identifiers: Orphanet 407, MedGen C0751748, MONDO:0011612, HP:0008288.

Submission:

Juha Muilu Group; Institute for Molecular Medicine Finland (FIMM)
Classification: Likely pathogenic for Non-ketotic hyperglycinemia. Review status: no assertion criteria provided. Collection method: not provided. Allele origin: unknown.
Comment: FinDis database variant: This variant was not found or characterized by our laboratory, data were collected from public sources: see reference
ClinVar note: Converted during submission from probable-pathogenic to Likely pathogenic.

NM_000170.3(GLDC):c.1597A>T (p.Asn533Tyr)

Gene: GLDC (glycine decarboxylase; minus strand). Cytogenetic location: 9p24.1.
Variant type: single nucleotide variant.
Coding change: c.1597A>T on transcript NM_000170.3 (MANE Select); coding-DNA position 1597, A replaced by T.
Protein change: p.Asn533Tyr; replaces asparagine 533 with tyrosine.
Molecular consequence: missense variant.
Genome position (GRCh38, 1-based): chr9:6,588,686, T>A on the plus strand (A>T on the coding strand, the complement: GLDC is on the minus strand). VCF-style: chr9-6588686-T-A. GRCh37 (hg19) VCF-style: chr9-6588686-T-A.
Other names: short protein forms N533Y.
Identifiers: ClinVar variation 56047 (VCV000056047.2), dbSNP rs386833528, ClinGen allele CA263302.
Genomic context (GRCh38, chr9:6,588,686, plus strand): 5'-TCATGCTGTGAACAAGGGAAATGTCTTTATTTTCCAGTTTCTTCATGTACCGGACAATGT[T>A]TGTTTCAGAGTGGTAGCTGTGAACACAAAACACAGAATTAGGGGCCCCAAAAGTAGATAT-3'
Protein context (NP_000161.2, residues 523-543): QVFNSYHSET[Asn533Tyr]IVRYMKKLEN